The following is an entry in ClinVar:

NM_004525.3(LRP2):c.11888-1G>T

Gene: LRP2 (LDL receptor related protein 2; minus strand). Cytogenetic location: 2q31.1.
Variant type: single nucleotide variant.
Coding change: c.11888-1G>T on transcript NM_004525.3 (MANE Select); the canonical splice acceptor site of the intron before coding-DNA position 11888, G replaced by T.
Molecular consequence: splice acceptor variant.
Genome position (GRCh38, 1-based): chr2:169,157,503, C>A on the plus strand (G>T on the coding strand, the complement: LRP2 is on the minus strand). VCF-style: chr2-169157503-C-A. GRCh37 (hg19) VCF-style: chr2-170014013-C-A.
Identifiers: ClinVar variation 2862246 (VCV002862246.3), dbSNP rs1686375136, ClinGen allele CA349138513.

ClinVar aggregate classification (germline): Likely pathogenic (1 of 4 stars; one submission).

Submission:

Labcorp Genetics (formerly Invitae), Labcorp
Classification: Likely pathogenic. Last evaluated: 2023-05-05. Review status: criteria provided, single submitter. Criteria: Invitae Variant Classification Sherloc (09022015). Collection method: clinical testing. Allele origin: germline.
Comment: In summary, the currently available evidence indicates that the variant is pathogenic, but additional data are needed to prove that conclusively. Therefore, this variant has been classified as Likely Pathogenic. Algorithms developed to predict the effect of sequence changes on RNA splicing suggest that this variant may disrupt the consensus splice site. This variant has not been reported in the literature in individuals affected with LRP2-related conditions. This variant is not present in population databases (gnomAD no frequency). This sequence change affects an acceptor splice site in intron 63 of the LRP2 gene. It is expected to disrupt RNA splicing. Variants that disrupt the donor or acceptor splice site typically lead to a loss of protein function (PMID: 16199547), and loss-of-function variants in LRP2 are known to be pathogenic (PMID: 17632512, 25682901).

Literature cited by the submitters: PubMed 16199547; PubMed 17632512; PubMed 25682901.